The following is an entry in ClinVar:

ClinVar aggregate classification (germline): Uncertain significance (1 of 4 stars; one submission).

Conditions:
Hereditary cancer-predisposing syndrome. Also called: Neoplastic Syndromes, Hereditary; Hereditary neoplastic syndrome; Tumor predisposition; Hereditary Cancer Syndrome. Identifiers: Orphanet 140162, MedGen C0027672, MeSH D009386, MONDO:0015356.

Submission:

Color Diagnostics, LLC DBA Color Health
Classification: Uncertain significance for Hereditary cancer-predisposing syndrome. Last evaluated: 2025-07-30. Review status: criteria provided, single submitter. Criteria: ACMG Guidelines, 2015. Collection method: clinical testing. Allele origin: germline.
Comment: This missense variant replaces serine with alanine at codon 2522 of the BRCA2 protein. Computational prediction is inconclusive regarding the impact of this variant on protein structure and function. There are conflicting functional studies findings for this variant including no impact in a haploid cell proliferation assay (PMID: 39779857) and deleterious in sensitivity assays to cisplatin and PARP inhibitor (PMID: 39779848). This variant has not been reported in individuals affected with BRCA2-related disorders in the literature. This variant has not been identified in the general population by the Genome Aggregation Database (gnomAD). The available evidence is insufficient to determine the role of this variant in disease conclusively. Therefore, this variant is classified as a Variant of Uncertain Significance.

Literature cited by the submitters: PubMed 39779848; PubMed 39779857.

NM_000059.4(BRCA2):c.7564T>G (p.Ser2522Ala)

Gene: BRCA2 (BRCA2 DNA repair associated; plus strand). Cytogenetic location: 13q13.1.
Variant type: single nucleotide variant.
Coding change: c.7564T>G on transcript NM_000059.4 (MANE Select); coding-DNA position 7564, T replaced by G.
Protein change: p.Ser2522Ala; replaces serine 2522 with alanine.
Molecular consequence: missense variant. On other transcripts: non-coding transcript variant (1).
Genome position (GRCh38, 1-based): chr13:32,356,556, T>G. VCF-style: chr13-32356556-T-G. GRCh37 (hg19) VCF-style: chr13-32930693-T-G.
Other names: c.7468T>G, p.Ser2490Ala (NM_001406719.1); c.7564T>G, p.Ser2522Ala (NM_001406720.1, NM_001432077.1); c.2632T>G, p.Ser878Ala (NM_001406721.1); c.1147T>G, p.Ser383Ala (NM_001406722.1); short protein forms S2490A, S2522A, S383A, S878A.
Identifiers: ClinVar variation 4759096 (VCV004759096.1).